The following is an entry in ClinVar:

Single allele

Gene: NEB (nebulin; minus strand). Cytogenetic location: 2q23.3.
Variant type: Deletion.
Identifiers: ClinVar variation 4056482 (VCV004056482.1).

ClinVar aggregate classification (germline): Pathogenic (1 of 4 stars; one submission).

Conditions:
Nemaline myopathy. Also called: Myopathies, Nemaline. Identifiers: Orphanet 607, MedGen C0206157, MONDO:0018958.

Submission:

Broad Center for Mendelian Genomics, Broad Institute of MIT and Harvard
Classification: Pathogenic for Nemaline myopathy. Last evaluated: 2025-06-06. Review status: criteria provided, single submitter. Criteria: ACMG/ClinGen CNV Guidelines, 2019. Collection method: curation. Allele origin: unknown. Inheritance: Autosomal recessive inheritance.
Comment: The exon 55 deletion variant in NEB has been identified in many individuals with nemaline myopathy (PMID: 5221447, 19232495, 25205138) and has been identified in 0.01% (1/7624) of European chromosomes by the Genome Aggregation Database (gnomAD; DEL_2_23374). Although this variant has been seen in the general population in a heterozygous state, its frequency is not high enough to rule out a pathogenic role. This variant deletes exon 55 which is in-frame, and therefore is more likely to escape nonsense mediated decay (NMD) and result in a truncated protein. Loss of function of the NEB gene is an established disease mechanism in autosomal recessive nemaline myopathy. Animal models in mice have shown that this variant causes nemaline myopathy (PMID: 23715096). In vitro functional studies provide some evidence that the exon 55 deletion variant may slightly impact protein function (PMID: 25110572). However, these types of assays may not accurately represent biological function. In summary, this variant meets criteria to be classified as pathogenic for autosomal recessive nemaline myopathy. The ACMG/ClinGen evidence codes and points used in this curation are as follows: 1: 0 points, 2: 0.30 points, 3: 0 points, 4-5: 0.60 points; functional evidence: 0.15; Total: 1.05 points; Riggs 2020 (PMID: 31690835).

Literature cited by the submitters: PubMed 5221447; PubMed 19232495; PubMed 25205138.